The following is an entry in ClinVar:

NM_001042492.3(NF1):c.278G>A (p.Cys93Tyr)

Gene: NF1 (neurofibromin 1; plus strand). Cytogenetic location: 17q11.2.
Variant type: single nucleotide variant.
Coding change: c.278G>A on transcript NM_001042492.3 (MANE Select); coding-DNA position 278, G replaced by A.
Protein change: p.Cys93Tyr; replaces cysteine 93 with tyrosine.
Molecular consequence: missense variant.
Genome position (GRCh38, 1-based): chr17:31,159,083, G>A. VCF-style: chr17-31159083-G-A. GRCh37 (hg19) VCF-style: chr17-29486101-G-A.
Other names: c.278G>A, p.Cys93Tyr (NM_000267.4, NM_001128147.3); short protein forms C93Y.
Identifiers: ClinVar variation 68328 (VCV000068328.17), dbSNP rs199474728, ClinGen allele CA219494.

ClinVar aggregate classification (germline): Pathogenic/Likely pathogenic. Review status: criteria provided, multiple submitters, no conflicts (2 of 4 stars). 9 submissions from 9 submitters: Pathogenic (2); Likely pathogenic (5). 2 of the submissions do not count toward it. Last evaluated 2026-07-28.

Conditions:
Juvenile myelomonocytic leukemia (JMML). Also called: LEUKEMIA, JUVENILE MYELOMONOCYTIC, SOMATIC. Identifiers: Orphanet 86834, MedGen C0349639, MONDO:0011908, OMIM 607785, HP:0012209.
Neurofibromatosis, type 1 (NF1). Also called: NEUROFIBROMATOSIS, TYPE I, SOMATIC; VON RECKLINGHAUSEN DISEASE; Peripheral type neurofibromatosis; Neurofibromatosis, type I. Identifiers: Orphanet 636, MedGen C0027831, MONDO:0018975, OMIM 162200. Disease mechanism: loss of function.

Allele frequency attached by ClinVar (database versions not stated): TOPMed 0.00001; gnomAD 0.00001.
gnomAD v4.1: 1 of 1,606,806 alleles (0.000062%); highest among the groups gnomAD compares: Non-Finnish European, 0.000085%; no homozygotes.

Submissions (9):

GeneDx
Classification: Likely pathogenic. Last evaluated: 2026-07-28. Review status: criteria provided, single submitter. Criteria: GeneDx Variant Classification Process June 2021. Collection method: clinical testing. Allele origin: germline.
Comment: Not observed at significant frequency in large population cohorts (gnomAD); In silico analysis supports that this missense variant has a deleterious effect on protein structure/function; This variant is associated with the following publications: (PMID: 21520333, 24803665, 10862084, 23668869, 17426081, 30014477, 12522551, 38226287, 33673681)

Labcorp Genetics (formerly Invitae), Labcorp
Classification: Pathogenic for Neurofibromatosis, type 1. Last evaluated: 2025-07-30. Review status: criteria provided, single submitter. Criteria: Invitae Variant Classification Sherloc (09022015). Collection method: clinical testing. Allele origin: germline.
Comment: This sequence change replaces cysteine, which is neutral and slightly polar, with tyrosine, which is neutral and polar, at codon 93 of the NF1 protein (p.Cys93Tyr). This variant is not present in population databases (gnomAD no frequency). This missense change has been observed in individuals with neurofibromatosis type 1 (PMID: 10862084; internal data). Invitae Evidence Modeling of clinical and family history, age, sex, and reported ancestry of multiple individuals with this NF1 variant has been performed. This variant is expected to be pathogenic with a positive predictive value of at least 99%. This is a validated machine learning model that incorporates the clinical features of 1,785,918 individuals referred to our laboratory for NF1 testing. ClinVar contains an entry for this variant (Variation ID: 68328). Invitae Evidence Modeling of protein sequence and biophysical properties (such as structural, functional, and spatial information, amino acid conservation, physicochemical variation, residue mobility, and thermodynamic stability) indicates that this missense variant is expected to disrupt NF1 protein function with a positive predictive value of 95%. This variant disrupts the p.Cys93 amino acid residue in NF1. Other variant(s) that disrupt this residue have been observed in individuals with NF1-related conditions (PMID: 17426081, 23668869), which suggests that this may be a clinically significant amino acid residue. For these reasons, this variant has been classified as Pathogenic.

Institute for Genomic Medicine (IGM) Clinical Laboratory, Nationwide Children's Hospital
Classification: Likely pathogenic for Neurofibromatosis, type 1. Last evaluated: 2024-07-23. Review status: criteria provided, single submitter. Criteria: ACMG Guidelines, 2015. Collection method: clinical testing. Allele origin: germline.
Comment: This variant has been reported at an elevated frequency in affected individuals/in multiple affected individuals in the literature (ACMG/AMP: PS4_Supporting; PMID:10862084). This variant is absent from or present at an exceedingly low frequency in gnomAD, a large-scale control population database (ACMG/AMP: PM2). A different substitution at this amino acid position has been reported as pathogenic (ACMG/AMP: PM5; PMID:23668869). This variant occurs in a gene with a low rate of benign missense variation, in which missense alterations are a common mechanism of disease (ACMG/AMP: PP2). This variant is predicted to alter protein function or structure, or disrupt splicing by multiple in silico tools (ACMG/AMP: PP3).

Baylor Genetics
Classification: Likely pathogenic for Juvenile myelomonocytic leukemia. Last evaluated: 2022-10-29. Review status: criteria provided, single submitter. Criteria: ACMG Guidelines, 2015. Collection method: clinical testing. Allele origin: unknown.

Institute for Clinical Genetics, University Hospital TU Dresden, University Hospital TU Dresden
Classification: Likely pathogenic. Last evaluated: 2021-11-03. Review status: criteria provided, single submitter. Criteria: ACMG Guidelines, 2015. Collection method: clinical testing. Allele origin: germline.
Comment: PP3, PM2_SUP, PM5

Greenwood Genetic Center Diagnostic Laboratories, Greenwood Genetic Center
Classification: Likely pathogenic. Last evaluated: 2020-11-23. Review status: criteria provided, single submitter. Criteria: ACMG Guidelines, 2015. Collection method: clinical testing. Allele origin: germline. Affected: yes.
Comment: PP2, PP3, PS4_Supporting, PM5_Supporting, PM2

Center for Human Genetics, Inc
Classification: Pathogenic for Neurofibromatosis, type 1. Last evaluated: 2016-11-01. Review status: criteria provided, single submitter. Criteria: ACMG Guidelines, 2015. Collection method: clinical testing. Allele origin: germline. Affected: yes.

Bioscientia Institut fuer Medizinische Diagnostik GmbH, Sonic Healthcare
Classification: Likely pathogenic for Neurofibromatosis, type 1. Last evaluated: 2018-09-27. Review status: no assertion criteria provided. Collection method: clinical testing. Allele origin: germline. Affected: yes. Not counted in ClinVar's aggregate classification.

UniProtKB/Swiss-Prot
No classification provided. Review status: no classification provided. Collection method: not provided. Allele origin: not provided. Not counted in ClinVar's aggregate classification.

Literature cited by the submitters: PubMed 10862084 (cited by Labcorp Genetics (formerly Invitae), Labcorp and Institute for Genomic Medicine (IGM) Clinical Laboratory, Nationwide Children's Hospital); PubMed 17426081 (cited by Labcorp Genetics (formerly Invitae), Labcorp); PubMed 23668869 (cited by Labcorp Genetics (formerly Invitae), Labcorp and Institute for Genomic Medicine (IGM) Clinical Laboratory, Nationwide Children's Hospital).